The following is an entry in ClinVar:

NM_020971.3(SPTBN4):c.1537G>A (p.Val513Ile)

Gene: SPTBN4 (spectrin beta, non-erythrocytic 4; plus strand). Cytogenetic location: 19q13.2.
Variant type: single nucleotide variant.
Coding change: c.1537G>A on transcript NM_020971.3 (MANE Select); coding-DNA position 1537, G replaced by A.
Protein change: p.Val513Ile; replaces valine 513 with isoleucine.
Molecular consequence: missense variant.
Genome position (GRCh38, 1-based): chr19:40,504,004, G>A. VCF-style: chr19-40504004-G-A. GRCh37 (hg19) VCF-style: chr19-41009911-G-A.
Other names: short protein forms V513I.
Identifiers: ClinVar variation 3055019 (VCV003055019.2), dbSNP rs375046488, ClinGen allele CA9445669.
Genomic context (GRCh38, chr19:40,504,004, plus strand): 5'-CAGGCATTGGCAGCCGAAGGCTACTACGATATCCGGCGGGTGGCAGCCCAGCGTGACAGC[G>A]TCCTGCGCCAGTGGGCCCTGCTAACTGGGCTTGTGGGTGCCCGGCGGACACGACTTGAGC-3'
Protein context (NP_066022.2, residues 503-523): IRRVAAQRDS[Val513Ile]LRQWALLTGL

ClinVar aggregate classification (germline): Likely benign (0 of 4 stars; one submission).

Conditions:
SPTBN4-related disorder. Also called: SPTBN4-related condition.

Allele frequency attached by ClinVar (database versions not stated): gnomAD 0.00011; gnomAD exomes 0.00014; 1000 Genomes Project 30x 0.00078; ExAC 0.00036; TOPMed 0.00002; 1000 Genomes Project 0.00100.
gnomAD v4.1: 216 of 1,614,004 alleles (0.013%); highest among the groups gnomAD compares: South Asian, 0.2%; 2 homozygotes.

Submission:

PreventionGenetics, part of Exact Sciences
Classification: Likely benign for SPTBN4-related condition. Last evaluated: 2023-06-08. Review status: no assertion criteria provided. Collection method: clinical testing. Allele origin: germline.
Comment: This variant is classified as likely benign based on ACMG/AMP sequence variant interpretation guidelines (Richards et al. 2015 PMID: 25741868, with internal and published modifications).